The following is an entry in ClinVar:

NM_005085.4(NUP214):c.1574del (p.Pro525fs)

Gene: NUP214 (nucleoporin 214; plus strand). Cytogenetic location: 9q34.13.
Variant type: Deletion.
Coding change: c.1574del on transcript NM_005085.4 (MANE Select); coding-DNA position 1574, one base deleted (C; older notation c.1574delC).
Protein change: p.Pro525fs; shifts the reading frame from proline 525.
Molecular consequence: frameshift variant.
Genome position (GRCh38, 1-based): chr9:131,144,559, C deleted; the last of 5 consecutive C bases (chr9:131,144,555-131,144,559); deleting any one gives the same sequence. VCF-style (leftmost placement, unchanged base first): chr9-131144554-TC-T. GRCh37 (hg19) VCF-style: chr9-134019941-TC-T.
Other names: c.1574del, p.Pro525fs (LRG_1383t1, NM_001318324.2); c.1574del (NM_005085.3); short protein forms P525fs.
Identifiers: ClinVar variation 634925 (VCV000634925.4), dbSNP rs1210153519, ClinGen allele CA467499333.

ClinVar aggregate classification (germline): Pathogenic/Likely pathogenic. Review status: criteria provided, multiple submitters, no conflicts (2 of 4 stars). 3 submissions from 3 submitters: Pathogenic (1); Likely pathogenic (1). 1 of the submissions does not count toward it. Last evaluated 2024-12-05.

Conditions:
Encephalopathy, acute, infection-induced, susceptibility to, 9. Identifiers: MedGen C5193089, MONDO:0032742, OMIM 618426.

Submissions (3):

Genetic Services Laboratory, University of Chicago
Classification: Likely pathogenic. Last evaluated: 2024-12-05. Review status: criteria provided, single submitter. Criteria: ACMG Guidelines, 2015. Collection method: clinical testing. Allele origin: germline. Affected: yes.
Comment: DNA sequence analysis of the NUP214 gene demonstrated a single base pair deletion in exon 12, c.1574del. This sequence change results in an amino acid frameshift and creates a premature stop codon 5 amino acids downstream of the change, p.Pro525Leufs*6. This sequence change is predicted to result in an abnormal transcript, which may be degraded, or may lead to the production of a truncated NUP214 protein with potentially abnormal function. This deletion has been previously described in two siblings with febrile encephalopathy in a compound heterozygous state with a missense variant, p.Pro387Ser in the same gene (PMID: 31178128). Functional studies using patient derived fibroblasts showed impaired activity of nuclear transport pathways (PMID: 31178128). This sequence change has been described in the gnomAD database with a frequency of 0.00033% in the European subpopulation (dbSNP rs1210153519). Collectively, this evidence indicates that this sequence change is likely pathogenic, however functional studies have not been performed to prove this conclusively.

GeneDx
Classification: Pathogenic. Last evaluated: 2023-09-22. Review status: criteria provided, single submitter. Criteria: GeneDx Variant Classification Process June 2021. Collection method: clinical testing. Allele origin: germline. Affected: yes.
Comment: Frameshift variant predicted to result in protein truncation or nonsense mediated decay in a gene for which loss-of-function is a known mechanism of disease; Not observed in large population cohorts (gnomAD); This variant is associated with the following publications: (PMID: 31178128)

OMIM
Classification: risk factor for ENCEPHALOPATHY, ACUTE, INFECTION-INDUCED, SUSCEPTIBILITY TO, 9. Last evaluated: 2019-06-18. Review status: no assertion criteria provided. Collection method: literature only. Allele origin: germline. Not counted in ClinVar's aggregate classification.

Literature cited by the submitters: PubMed 31178128 (cited by OMIM).